The following is an entry in ClinVar:

NM_017882.3(CLN6):c.*817C>T

Gene: CLN6 (CLN6 transmembrane ER protein; minus strand). Cytogenetic location: 15q23.
Variant type: single nucleotide variant.
Coding change: c.*817C>T on transcript NM_017882.3 (MANE Select); 817 bases downstream of the stop codon, C replaced by T.
Molecular consequence: 3 prime UTR variant.
Genome position (GRCh38, 1-based): chr15:68,207,323, G>A on the plus strand (C>T on the coding strand, the complement: CLN6 is on the minus strand). VCF-style: chr15-68207323-G-A. GRCh37 (hg19) VCF-style: chr15-68499661-G-A.
Identifiers: ClinVar variation 316970 (VCV000316970.6), dbSNP rs8142, ClinGen allele CA10646543.
Genomic context (GRCh38, chr15:68,207,323, plus strand): 5'-CCCACCCTCCAGCCCCCAGGAATGCAGGCGCTCAAAGCCTGTGGCTAGGCTGCCCGAAGC[G>A]CGTGCCGCAGTTCTTCTGGAGTGGGAGCAGGGGGACAGAGCTTTGGGTAGAGGAGGGTCA-3'

ClinVar aggregate classification (germline): Benign. Review status: criteria provided, multiple submitters, no conflicts (2 of 4 stars). 2 submissions from 2 submitters: Benign (2). Last evaluated 2018-01-12.

Conditions:
Neuronal ceroid lipofuscinosis. Also called: Neuronal Ceroid Lipofuscinoses. Identifiers: Orphanet 216, Orphanet 79263, MedGen C0027877, MONDO:0016295. Disease mechanism: loss of function.

Allele frequency attached by ClinVar (database versions not stated): 1000 Genomes Project 0.40495; 1000 Genomes Project 30x 0.40943; TOPMed 0.50100; gnomAD 0.50186 and 0.51081; gnomAD exomes 0.54255.
gnomAD v4.1: 76,500 of 152,448 alleles (50%); highest among the groups gnomAD compares: Non-Finnish European, 56%; 19,747 homozygotes.

Submissions (2):

Illumina Laboratory Services, Illumina
Classification: Benign for Neuronal ceroid lipofuscinosis. Last evaluated: 2018-01-12. Review status: criteria provided, single submitter. Criteria: ICSL Variant Classification Criteria 13 December 2019. Collection method: clinical testing. Allele origin: germline.
Comment: This variant was observed in the ICSL laboratory as part of a predisposition screen in an ostensibly healthy population. It had not been previously curated by ICSL or reported in the Human Gene Mutation Database (HGMD: prior to June 1st, 2018), and was therefore a candidate for classification through an automated scoring system. Utilizing variant allele frequency, disease prevalence and penetrance estimates, and inheritance mode, an automated score was calculated to assess if this variant is too frequent to cause the disease. Based on the score and internal cut-off values, a variant classified as benign is not then subjected to further curation. The score for this variant resulted in a classification of benign for this disease.

Breakthrough Genomics
Classification: Benign. Review status: criteria provided, single submitter. Criteria: ACMG Guidelines, 2015. Collection method: not provided. Allele origin: germline. Inheritance: Autosomal recessive inheritance. Affected: yes.